The following is an entry in ClinVar:

ClinVar aggregate classification (germline): Uncertain significance (1 of 4 stars; one submission).

Submission:

GeneDx
Classification: Uncertain significance. Last evaluated: 2025-08-01. Review status: criteria provided, single submitter. Criteria: GeneDx Variant Classification Process June 2021. Collection method: clinical testing. Allele origin: germline. Affected: yes.
Comment: Not observed at significant frequency in large population cohorts (gnomAD); In silico analysis supports that this missense variant has a deleterious effect on protein structure/function; Has not been previously published as pathogenic or benign to our knowledge

NM_017780.4(CHD7):c.2249C>T (p.Ser750Phe)

Gene: CHD7 (chromodomain helicase DNA binding protein 7; plus strand). Cytogenetic location: 8q12.2.
Variant type: single nucleotide variant.
Coding change: c.2249C>T on transcript NM_017780.4 (MANE Select); coding-DNA position 2249, C replaced by T.
Protein change: p.Ser750Phe; replaces serine 750 with phenylalanine.
Molecular consequence: missense variant. On other transcripts: intron variant (1).
Genome position (GRCh38, 1-based): chr8:60,800,398, C>T. VCF-style: chr8-60800398-C-T. GRCh37 (hg19) VCF-style: chr8-61712957-C-T.
Other names: c.1716+19348C>T (NM_001316690.1); short protein forms S750F.
Identifiers: ClinVar variation 4690171 (VCV004690171.1).